The following is an entry in ClinVar:

NM_004304.5(ALK):c.2131A>G (p.Ser711Gly)

Gene: ALK (ALK receptor tyrosine kinase; minus strand). Cytogenetic location: 2p23.2.
Variant type: single nucleotide variant.
Coding change: c.2131A>G on transcript NM_004304.5 (MANE Select); coding-DNA position 2131, A replaced by G.
Protein change: p.Ser711Gly; replaces serine 711 with glycine.
Molecular consequence: missense variant.
Genome position (GRCh38, 1-based): chr2:29,251,178, T>C on the plus strand (A>G on the coding strand, the complement: ALK is on the minus strand). VCF-style: chr2-29251178-T-C. GRCh37 (hg19) VCF-style: chr2-29474044-T-C.
Other names: short protein forms S711G.
Identifiers: ClinVar variation 943151 (VCV000943151.9), dbSNP rs1166188112, ClinGen allele CA346476937.

ClinVar aggregate classification (germline): Uncertain significance (1 of 4 stars; one submission).

Conditions:
Neuroblastoma, susceptibility to, 3. Also called: ALK-Related Neuroblastic Tumor Susceptibility. Identifiers: Orphanet 635, MedGen C2751681, MONDO:0013083, OMIM 613014.

Submission:

Labcorp Genetics (formerly Invitae), Labcorp
Classification: Uncertain significance for Neuroblastoma, susceptibility to, 3. Last evaluated: 2019-09-12. Review status: criteria provided, single submitter. Criteria: Invitae Variant Classification Sherloc (09022015). Collection method: clinical testing. Allele origin: germline.
Comment: In summary, the available evidence is currently insufficient to determine the role of this variant in disease. Therefore, it has been classified as a Variant of Uncertain Significance. Algorithms developed to predict the effect of missense changes on protein structure and function are either unavailable or do not agree on the potential impact of this missense change (SIFT: "Deleterious"; PolyPhen-2: "Benign"; Align-GVGD: "Class C0"). This variant has not been reported in the literature in individuals with ALK-related conditions. This variant is not present in population databases (ExAC no frequency). This sequence change replaces serine with glycine at codon 711 of the ALK protein (p.Ser711Gly). The serine residue is highly conserved and there is a small physicochemical difference between serine and glycine.